The following is an entry in ClinVar:

NM_019098.5(CNGB3):c.1440_1480+10del

Gene: CNGB3 (cyclic nucleotide gated channel subunit beta 3; minus strand). Cytogenetic location: 8q21.3.
Variant type: Deletion.
Coding change: c.1440_1480+10del on transcript NM_019098.5 (MANE Select); coding-DNA position 1440 through 10 bases into the intron after coding-DNA position 1480, 51 bases deleted.
Molecular consequence: splice donor variant.
Genome position (GRCh38, 1-based): chr8:86,628,909-86,628,959, 51 bases deleted. GRCh37 (hg19): chr8:87,641,138-87,641,188.
Identifiers: ClinVar variation 1936366 (VCV001936366.5), dbSNP rs2538082405, ClinGen allele CA2580078965.

ClinVar aggregate classification (germline): Pathogenic (1 of 4 stars; one submission).

Submission:

Labcorp Genetics (formerly Invitae), Labcorp
Classification: Pathogenic. Last evaluated: 2022-08-05. Review status: criteria provided, single submitter. Criteria: Invitae Variant Classification Sherloc (09022015). Collection method: clinical testing. Allele origin: germline.
Comment: This variant has not been reported in the literature in individuals affected with CNGB3-related conditions. This variant results in the deletion of part of exon 12 (c.1440_1480+10del) of the CNGB3 gene. It is expected to disrupt RNA splicing. Variants that disrupt the donor or acceptor splice site typically lead to a loss of protein function (PMID: 16199547), and loss-of-function variants in CNGB3 are known to be pathogenic (PMID: 28795510). This variant is not present in population databases (gnomAD no frequency). Algorithms developed to predict the effect of sequence changes on RNA splicing suggest that this variant may disrupt the consensus splice site. This variant disrupts a region of the CNGB3 protein in which other variant(s) (p.Tyr483Asp) have been determined to be pathogenic (PMID: 28795510). This suggests that this is a clinically significant region of the protein, and that variants that disrupt it are likely to be disease-causing. For these reasons, this variant has been classified as Pathogenic.

Literature cited by the submitters: PubMed 16199547; PubMed 28795510.